The following is an entry in ClinVar:

ClinVar aggregate classification (germline): Likely pathogenic (1 of 4 stars; one submission).

Allele frequency attached by ClinVar (database versions not stated): gnomAD exomes below 0.00001.
gnomAD v4.1: 1 of 1,614,176 alleles (0.000062%); highest among the groups gnomAD compares: Non-Finnish European, 0.000085%; no homozygotes.

Submission:

CeGaT Center for Human Genetics Tuebingen
Classification: Likely pathogenic. Last evaluated: 2023-02-01. Review status: criteria provided, single submitter. Criteria: CeGaT Center For Human Genetics Tuebingen Variant Classification Criteria Version 2. Collection method: clinical testing. Allele origin: germline. Affected: yes. Observed: 1 variant allele.
Comment: ESRRB: PVS1:Strong, PM2

NM_001379180.1(ESRRB):c.738T>G (p.Tyr246Ter)

Gene: ESRRB (estrogen related receptor beta; plus strand). Cytogenetic location: 14q24.3.
Variant type: single nucleotide variant.
Coding change: c.738T>G on transcript NM_001379180.1 (MANE Select); coding-DNA position 738, T replaced by G.
Protein change: p.Tyr246Ter; replaces tyrosine 246 with a stop codon.
Molecular consequence: nonsense.
Genome position (GRCh38, 1-based): chr14:76,482,647, T>G. VCF-style: chr14-76482647-T-G. GRCh37 (hg19) VCF-style: chr14-76948990-T-G.
Other names: c.690T>G, p.Tyr230Ter (NM_001411038.1); c.675T>G, p.Tyr225Ter (NM_004452.4); short protein forms Y225*, Y230*, Y246*.
Identifiers: ClinVar variation 2498597 (VCV002498597.28), dbSNP rs773887736, ClinGen allele CA390478525.